The following is an entry in ClinVar:

ClinVar aggregate classification (somatic clinical impact): Tier I - Strong (1 of 4 stars; one submission).

Conditions:
Medulloblastoma non-WNT/non-SHH group 4. Identifiers: MedGen C4330666, MONDO:0956967.

Submission:

Institute for Genomic Medicine (IGM) Clinical Laboratory, Nationwide Children's Hospital
Classification: Tier I - Strong for Medulloblastoma non-WNT/non-SHH group 4. Assertion type: diagnostic. Clinical significance: supports diagnosis. Last evaluated: 2024-08-14. Review status: criteria provided, single submitter. Criteria: AMP/ASCO/CAP Guidelines, 2017. Collection method: clinical testing. Allele origin: somatic. Affected: yes.
Comment: Variant has Tier I (strong) clinical significance as a diagnostic inclusion criterion in medulloblastoma non-WNT/non-SHH group 4, based on the following evidence: 1) Appears in one or more well-established professional guidelines (e.g., World Health Organization [WHO]; National Comprehensive Cancer Network [NCCN]) as providing diagnostic, prognostic, or therapeutic information. 2) Diagnostic for a specific tumor type/classification based on well-powered studies with expert-level consensus (Evidence Level B; PMIDs: 28726821, 33172502, 35489737).

Literature cited by the submitters: PubMed 28726821; PubMed 33172502; PubMed 35489737.

NM_018095.6(KBTBD4):c.929_935delinsCATGTGGGAGGGTCCACATGTT (p.Ile310_Arg312delinsThrCysGlyArgValHisMetLeu)

Gene: KBTBD4 (kelch repeat and BTB domain containing 4; minus strand). Cytogenetic location: 11p11.2.
Variant type: Indel.
Coding change: c.929_935delinsCATGTGGGAGGGTCCACATGTT on transcript NM_018095.6 (MANE Select); coding-DNA positions 929 to 935, TCCCACG replaced by CATGTGGGAGGGTCCACATGTT.
Protein change: p.Ile310_Arg312delinsThrCysGlyArgValHisMetLeu.
Molecular consequence: inframe indel.
Genome position (GRCh38, 1-based): chr11:47,573,600-47,573,606, CGTGGGA replaced by AACATGTGGACCCTCCCACATG on the plus strand (TCCCACG replaced by CATGTGGGAGGGTCCACATGTT on the coding strand, the reverse complement: KBTBD4 is on the minus strand). VCF-style: chr11-47573600-CGTGGGA-AACATGTGGACCCTCCCACATG. GRCh37 (hg19) VCF-style: chr11-47595152-CGTGGGA-AACATGTGGACCCTCCCACATG.
Other names: c.881_887delinsCATGTGGGAGGGTCCACATGTT, p.Ile294_Arg296delinsThrCysGlyArgValHisMetLeu (NM_001318721.2, NM_001318722.2, NM_001318723.2 and 3 more transcripts); c.1028_1034delinsCATGTGGGAGGGTCCACATGTT, p.Ile343_Arg345delinsThrCysGlyArgValHisMetLeu (NM_001318716.2); c.998_1004delinsCATGTGGGAGGGTCCACATGTT, p.Ile333_Arg335delinsThrCysGlyArgValHisMetLeu (NM_001318717.2); c.956_962delinsCATGTGGGAGGGTCCACATGTT, p.Ile319_Arg321delinsThrCysGlyArgValHisMetLeu (NM_001318718.2, NM_001318719.2); c.950_956delinsCATGTGGGAGGGTCCACATGTT, p.Ile317_Arg319delinsThrCysGlyArgValHisMetLeu (NM_001318720.2).
Identifiers: ClinVar variation 4530473 (VCV004530473.1).